The following is an entry in ClinVar:

NM_024757.5(EHMT1):c.41A>C (p.Glu14Ala)

Gene: EHMT1 (euchromatic histone lysine methyltransferase 1; plus strand). Cytogenetic location: 9q34.3.
Variant type: single nucleotide variant.
Coding change: c.41A>C on transcript NM_024757.5 (MANE Select); coding-DNA position 41, A replaced by C.
Protein change: p.Glu14Ala; replaces glutamic acid 14 with alanine.
Molecular consequence: missense variant. On other transcripts: intron variant (2).
Genome position (GRCh38, 1-based): chr9:137,710,986, A>C. VCF-style: chr9-137710986-A-C. GRCh37 (hg19) VCF-style: chr9-140605438-A-C.
Other names: c.41A>C, p.Glu14Ala (NM_001145527.2, NM_001354263.2, NM_001354611.2); c.-8-5640A>C (NM_001354259.2, NM_001354612.2); short protein forms E14A.
Identifiers: ClinVar variation 2834336 (VCV002834336.3), dbSNP rs1588289833, ClinGen allele CA375759580.

ClinVar aggregate classification (germline): Uncertain significance (1 of 4 stars; one submission).

Conditions:
Kleefstra syndrome 1 (KLEFS1). Identifiers: Orphanet 261494, MedGen C0795833, MONDO:0027407, OMIM 610253.

Submission:

Labcorp Genetics (formerly Invitae), Labcorp
Classification: Uncertain significance for Kleefstra syndrome 1. Last evaluated: 2023-08-10. Review status: criteria provided, single submitter. Criteria: Invitae Variant Classification Sherloc (09022015). Collection method: clinical testing. Allele origin: germline.
Comment: In summary, the available evidence is currently insufficient to determine the role of this variant in disease. Therefore, it has been classified as a Variant of Uncertain Significance. An algorithm developed to predict the effect of missense changes on protein structure and function (PolyPhen-2) suggests that this variant is likely to be disruptive. This variant has not been reported in the literature in individuals affected with EHMT1-related conditions. This variant is not present in population databases (gnomAD no frequency). This sequence change replaces glutamic acid, which is acidic and polar, with alanine, which is neutral and non-polar, at codon 14 of the EHMT1 protein (p.Glu14Ala).